The following is an entry in ClinVar:

ClinVar aggregate classification (germline): Likely benign. Review status: criteria provided, multiple submitters, no conflicts (2 of 4 stars). 2 submissions from 2 submitters: Likely benign (2). Last evaluated 2025-07-29.

Conditions:
NPC1-related disorder. Also called: NPC1-related condition.
Niemann-Pick disease, type C1. Also called: NIEMANN-PICK DISEASE WITH CHOLESTEROL ESTERIFICATION BLOCK; NIEMANN-PICK DISEASE WITHOUT SPHINGOMYELINASE DEFICIENCY; NIEMANN-PICK DISEASE, CHRONIC NEURONOPATHIC FORM; NIEMANN-PICK DISEASE, VARIANT TYPE C1; NEUROVISCERAL STORAGE DISEASE WITH VERTICAL SUPRANUCLEAR OPHTHALMOPLEGIA. Identifiers: Orphanet 646, MedGen C3179455, MONDO:0009757, OMIM 257220.

Submissions (2):

PreventionGenetics, part of Exact Sciences
Classification: Likely benign for NPC1-related condition. Last evaluated: 2025-07-29. Review status: criteria provided, single submitter. Criteria: ACMG Guidelines, 2015. Collection method: clinical testing. Allele origin: germline.
Comment: This variant is classified as likely benign based on ACMG/AMP sequence variant interpretation guidelines (Richards et al. 2015 PMID: 25741868, with internal and published modifications).

Labcorp Genetics (formerly Invitae), Labcorp
Classification: Likely benign for Niemann-Pick disease, type C1. Last evaluated: 2025-05-17. Review status: criteria provided, single submitter. Criteria: Invitae Variant Classification Sherloc (09022015). Collection method: clinical testing. Allele origin: germline.

NM_000271.5(NPC1):c.1947+13_1947+14insGGGT

Gene: NPC1 (NPC intracellular cholesterol transporter 1; minus strand). Cytogenetic location: 18q11.2.
Variant type: Insertion.
Coding change: c.1947+13_1947+14insGGGT on transcript NM_000271.5 (MANE Select); bases 13 to 14 of the intron after coding-DNA position 1947, GGGT inserted.
Molecular consequence: intron variant.
Genome position: GRCh38 VCF-style: chr18-23544946-C-CCCCA. GRCh37 (hg19) VCF-style: chr18-21124910-C-CCCCA.
Other names: c.1947+13_1947+14insTGGG (NM_000271.4).
Identifiers: ClinVar variation 2738102 (VCV002738102.4), dbSNP rs1555634644, ClinGen allele CA777725075.